The following is an entry in ClinVar:

ClinVar aggregate classification (germline): Uncertain significance (1 of 4 stars; one submission).

Conditions:
Episodic ataxia type 2 (EA2). Also called: CEREBELLAR ATAXIA, PAROXYSMAL, ACETAZOLAMIDE-RESPONSIVE; CEREBELLOPATHY, HEREDITARY PAROXYSMAL; EPISODIC ATAXIA, NYSTAGMUS-ASSOCIATED; ACETAZOLAMIDE-RESPONSIVE HEREDITARY PAROXYSMAL CEREBELLAR ATAXIA; ATAXIA, EPISODIC, WITH NYSTAGMUS; ATAXIA, FAMILIAL PAROXYSMAL. Identifiers: Orphanet 97, MedGen C1720416, MONDO:0007163, OMIM 108500.
Developmental and epileptic encephalopathy, 42 (DEE42A). Also called: Epileptic encephalopathy, early infantile, 42; DEVELOPMENTAL AND EPILEPTIC ENCEPHALOPATHY 42A; EPILEPTIC ENCEPHALOPATHY, EARLY INFANTILE, 42A. Identifiers: MedGen C4310716, MONDO:0014917, OMIM 617106.

Submission:

Labcorp Genetics (formerly Invitae), Labcorp
Classification: Uncertain significance for Developmental and epileptic encephalopathy, 42; Episodic ataxia type 2. Last evaluated: 2023-10-16. Review status: criteria provided, single submitter. Criteria: Invitae Variant Classification Sherloc (09022015). Collection method: clinical testing. Allele origin: germline.
Comment: This sequence change replaces alanine, which is neutral and non-polar, with serine, which is neutral and polar, at codon 1787 of the CACNA1A protein (p.Ala1787Ser). This variant is not present in population databases (gnomAD no frequency). This variant has not been reported in the literature in individuals affected with CACNA1A-related conditions. Advanced modeling of protein sequence and biophysical properties (such as structural, functional, and spatial information, amino acid conservation, physicochemical variation, residue mobility, and thermodynamic stability) has been performed at Invitae for this missense variant, however the output from this modeling did not meet the statistical confidence thresholds required to predict the impact of this variant on CACNA1A protein function. In summary, the available evidence is currently insufficient to determine the role of this variant in disease. Therefore, it has been classified as a Variant of Uncertain Significance.

NM_001127222.2(CACNA1A):c.5356G>T (p.Ala1786Ser)

Gene: CACNA1A (calcium voltage-gated channel subunit alpha1 A; minus strand). Cytogenetic location: 19p13.13.
Variant type: single nucleotide variant.
Coding change: c.5356G>T on transcript NM_001127222.2 (MANE Select); coding-DNA position 5356, G replaced by T.
Protein change: p.Ala1786Ser; replaces alanine 1786 with serine.
Molecular consequence: missense variant.
Genome position (GRCh38, 1-based): chr19:13,231,754, C>A on the plus strand (G>T on the coding strand, the complement: CACNA1A is on the minus strand). VCF-style: chr19-13231754-C-A. GRCh37 (hg19) VCF-style: chr19-13342568-C-A.
Other names: c.5374G>T, p.Ala1792Ser (NM_000068.4, NM_023035.3); c.5359G>T, p.Ala1787Ser (NM_001127221.2); c.5365G>T, p.Ala1789Ser (NM_001174080.2); short protein forms A1786S, A1789S, A1792S, A1787S.
Identifiers: ClinVar variation 2952955 (VCV002952955.3), dbSNP rs2512626753, ClinGen allele CA404334438.